The following is an entry in ClinVar:

ClinVar aggregate classification (germline): Uncertain significance. Review status: criteria provided, multiple submitters, no conflicts (2 of 4 stars). 2 submissions from 2 submitters: Uncertain significance (2). Last evaluated 2025-12-11.

Conditions:
Inborn genetic diseases. Identifiers: MedGen C0950123, MeSH D030342.

Allele frequency attached by ClinVar (database versions not stated): ExAC 0.00001; gnomAD 0.00002.
gnomAD v4.1: 9 of 1,614,108 alleles (0.00056%); highest among the groups gnomAD compares: South Asian, 0.0044%; no homozygotes.

Submissions (2):

Ambry Genetics
Classification: Uncertain significance for Inborn genetic diseases. Last evaluated: 2025-12-11. Review status: criteria provided, single submitter. Criteria: Ambry Variant Classification Scheme 2023. Collection method: clinical testing. Allele origin: germline.

GeneDx
Classification: Uncertain significance. Last evaluated: 2023-01-06. Review status: criteria provided, single submitter. Criteria: GeneDx Variant Classification Process June 2021. Collection method: clinical testing. Allele origin: germline. Affected: yes.
Comment: Not observed at a significant frequency in large population cohorts (gnomAD); In silico analysis supports that this missense variant has a deleterious effect on protein structure/function; Has not been previously published as pathogenic or benign to our knowledge

NM_016373.4(WWOX):c.1163C>T (p.Ala388Val)

Genes: MAF (MAF bZIP transcription factor; minus strand), WWOX (WW domain containing oxidoreductase; plus strand). Cytogenetic location: 16q23.2.
Variant type: single nucleotide variant.
Coding change: c.1163C>T on transcript NM_016373.4 (MANE Select); coding-DNA position 1163, C replaced by T.
Protein change: p.Ala388Val; replaces alanine 388 with valine.
Molecular consequence: missense variant.
Genome position (GRCh38, 1-based): chr16:79,211,714, C>T. VCF-style: chr16-79211714-C-T. GRCh37 (hg19) VCF-style: chr16-79245611-C-T.
Other names: c.824C>T, p.Ala275Val (NM_001291997.2); short protein forms A275V, A388V.
Identifiers: ClinVar variation 1810593 (VCV001810593.2), dbSNP rs768403821, ClinGen allele CA8183767.